The following is an entry in ClinVar:

NM_022114.4(PRDM16):c.530C>T (p.Ser177Phe)

Gene: PRDM16 (PR/SET domain 16; plus strand). Cytogenetic location: 1p36.32.
Variant type: single nucleotide variant.
Coding change: c.530C>T on transcript NM_022114.4 (MANE Select); coding-DNA position 530, C replaced by T.
Protein change: p.Ser177Phe; replaces serine 177 with phenylalanine.
Molecular consequence: missense variant.
Genome position (GRCh38, 1-based): chr1:3,385,243, C>T. VCF-style: chr1-3385243-C-T. GRCh37 (hg19) VCF-style: chr1-3301807-C-T.
Other names: c.530C>T, p.Ser177Phe (NM_199454.3); short protein forms S177F.
Identifiers: ClinVar variation 4751997 (VCV004751997.1).

ClinVar aggregate classification (germline): Uncertain significance (1 of 4 stars; one submission).

Conditions:
Left ventricular noncompaction 8 (LVNC8). Identifiers: Orphanet 154, Orphanet 54260, MedGen C3809288, MONDO:0014152, OMIM 615373.

Submission:

Labcorp Genetics (formerly Invitae), Labcorp
Classification: Uncertain significance for Left ventricular noncompaction 8. Last evaluated: 2026-01-26. Review status: criteria provided, single submitter. Criteria: Invitae Variant Classification Sherloc (09022015). Collection method: clinical testing. Allele origin: germline.
Comment: This sequence change replaces serine, which is neutral and polar, with phenylalanine, which is neutral and non-polar, at codon 177 of the PRDM16 protein (p.Ser177Phe). This variant is not present in population databases (gnomAD no frequency). This variant has not been reported in the literature in individuals affected with PRDM16-related conditions. An algorithm developed to predict the effect of missense changes on protein structure and function (PolyPhen-2) suggests that this variant is likely to be disruptive. In summary, the available evidence is currently insufficient to determine the role of this variant in disease. Therefore, it has been classified as a Variant of Uncertain Significance.